The following is an entry in ClinVar:

NM_002296.4(LBR):c.1430G>C (p.Ser477Thr)

Gene: LBR (lamin B receptor; minus strand). Cytogenetic location: 1q42.12.
Variant type: single nucleotide variant.
Coding change: c.1430G>C on transcript NM_002296.4 (MANE Select); coding-DNA position 1430, G replaced by C.
Protein change: p.Ser477Thr; replaces serine 477 with threonine.
Molecular consequence: missense variant.
Genome position (GRCh38, 1-based): chr1:225,406,717, C>G on the plus strand (G>C on the coding strand, the complement: LBR is on the minus strand). VCF-style: chr1-225406717-C-G. GRCh37 (hg19) VCF-style: chr1-225594419-C-G.
Other names: c.1430G>C, p.Ser477Thr (NM_194442.3); short protein forms S477T.
Identifiers: ClinVar variation 2218443 (VCV002218443.6), dbSNP rs371531855, ClinGen allele CA1417146.

ClinVar aggregate classification (germline): Uncertain significance. Review status: criteria provided, multiple submitters, no conflicts (2 of 4 stars). 2 submissions from 2 submitters: Uncertain significance (2). Last evaluated 2025-12-01.

Conditions:
Inborn genetic diseases. Identifiers: MedGen C0950123, MeSH D030342.

Allele frequency attached by ClinVar (database versions not stated): gnomAD exomes 0.00004; ESP Exome Variant Server 0.00008; TOPMed 0.00003; ExAC 0.00004.
gnomAD v4.1: 59 of 1,613,698 alleles (0.0037%); highest among the groups gnomAD compares: Non-Finnish European, 0.0047%; no homozygotes.

Submissions (2):

Labcorp Genetics (formerly Invitae), Labcorp
Classification: Uncertain significance. Last evaluated: 2025-12-01. Review status: criteria provided, single submitter. Criteria: Invitae Variant Classification Sherloc (09022015). Collection method: clinical testing. Allele origin: germline.
Comment: This sequence change replaces serine, which is neutral and polar, with threonine, which is neutral and polar, at codon 477 of the LBR protein (p.Ser477Thr). This variant is present in population databases (rs371531855, gnomAD 0.009%). This variant has not been reported in the literature in individuals affected with LBR-related conditions. ClinVar contains an entry for this variant (Variation ID: 2218443). Invitae Evidence Modeling of protein sequence and biophysical properties (such as structural, functional, and spatial information, amino acid conservation, physicochemical variation, residue mobility, and thermodynamic stability) indicates that this missense variant is not expected to disrupt LBR protein function with a negative predictive value of 80%. In summary, the available evidence is currently insufficient to determine the role of this variant in disease. Therefore, it has been classified as a Variant of Uncertain Significance.

Ambry Genetics
Classification: Uncertain significance for Inborn genetic diseases. Last evaluated: 2024-08-07. Review status: criteria provided, single submitter. Criteria: Ambry Variant Classification Scheme 2023. Collection method: clinical testing. Allele origin: germline.